The following is an entry in ClinVar:

ClinVar aggregate classification (germline): Uncertain significance (1 of 4 stars; one submission).

Submission:

GeneDx
Classification: Uncertain significance. Last evaluated: 2025-08-13. Review status: criteria provided, single submitter. Criteria: GeneDx Variant Classification Process June 2021. Collection method: clinical testing. Allele origin: germline. Affected: yes.
Comment: Not observed at significant frequency in large population cohorts (gnomAD); In silico analysis supports a deleterious effect on protein structure/function; Has not been previously published as pathogenic or benign to our knowledge

NM_025243.4(SLC19A3):c.236_237delinsTT (p.Tyr79Phe)

Gene: SLC19A3 (solute carrier family 19 member 3; minus strand). Cytogenetic location: 2q36.3.
Variant type: Indel.
Coding change: c.236_237delinsTT on transcript NM_025243.4 (MANE Select); coding-DNA positions 236 to 237, AC replaced by TT.
Protein change: p.Tyr79Phe; replaces tyrosine 79 with phenylalanine.
Molecular consequence: missense variant.
Genome position (GRCh38, 1-based): chr2:227,699,478-227,699,479, GT replaced by AA on the plus strand (AC replaced by TT on the coding strand, the reverse complement: SLC19A3 is on the minus strand). VCF-style: chr2-227699478-GT-AA. GRCh37 (hg19) VCF-style: chr2-228564194-GT-AA.
Other names: c.236_237delinsTT, p.Tyr79Phe (NM_001371411.1, NM_001371412.1); c.224_225delinsTT, p.Tyr75Phe (NM_001371413.1, NM_001371414.1); short protein forms Y79F, Y75F.
Identifiers: ClinVar variation 4795285 (VCV004795285.1).